The following is an entry in ClinVar:

ClinVar aggregate classification (germline): Pathogenic. Review status: criteria provided, multiple submitters, no conflicts (2 of 4 stars). 3 submissions from 3 submitters: Pathogenic (3). Last evaluated 2026-02-02.

Conditions:
Developmental and epileptic encephalopathy, 16 (DEE16). Also called: Early infantile epileptic encephalopathy 16; TBC1D24-Related Developmental and Epileptic Encephalopathy (DEE). Identifiers: Orphanet 293181, Orphanet 352596, MedGen C3809173, MONDO:0014133, OMIM 615338.

Allele frequency attached by ClinVar (database versions not stated): gnomAD 0.00001; gnomAD exomes below 0.00001.

Submissions (3):

GeneDx
Classification: Pathogenic. Last evaluated: 2026-02-02. Review status: criteria provided, single submitter. Criteria: GeneDx Variant Classification Process June 2021. Collection method: clinical testing. Allele origin: germline. Affected: yes.
Comment: Frameshift variant predicted to result in protein truncation or nonsense mediated decay in a gene for which loss of function is a known mechanism of disease; Not observed at significant frequency in large population cohorts (gnomAD); Has not been previously published as pathogenic or benign to our knowledge

Groupe Hospitalier Pitie Salpetriere, Uf Genomique Du Developpement, Assistance Publique Hopitaux de Paris Sorbonne Université
Classification: Pathogenic for Developmental and epileptic encephalopathy, 16. Last evaluated: 2021-06-01. Review status: criteria provided, single submitter. Criteria: ACMG Guidelines, 2015. Collection method: clinical testing. Allele origin: germline. Affected: yes.
Comment: This variant is a null variant (PVS1), absent or extremely rare in population databases (PM2_supp) and reported as pathogenic by a reputable source though evidence isnt available for independent evaluation (PP5)

Laboratoire Génétique Moléculaire, CHRU TOURS
Classification: Pathogenic. Last evaluated: 2021-04-01. Review status: criteria provided, single submitter. Criteria: ACMG Guidelines, 2015. Collection method: clinical testing. Allele origin: maternal. Affected: yes.

NM_001199107.2(TBC1D24):c.557del (p.Leu186fs)

Gene: TBC1D24 (TBC1 domain family member 24; plus strand). Cytogenetic location: 16p13.3.
Variant type: Deletion.
Coding change: c.557del on transcript NM_001199107.2 (MANE Select); coding-DNA position 557, one base deleted (T; older notation c.557delT).
Protein change: p.Leu186fs; shifts the reading frame from leucine 186.
Molecular consequence: frameshift variant.
Genome position (GRCh38, 1-based): chr16:2,496,705, T deleted. VCF-style (leftmost placement, unchanged base first): chr16-2496704-CT-C. GRCh37 (hg19) VCF-style: chr16-2546705-CT-C.
Other names: c.557delT (NM_001199107.2, NM_001199107.1); c.557del (NM_001199107.1); c.557del, p.Leu186fs (NM_020705.3); short protein forms L186fs.
Identifiers: ClinVar variation 430018 (VCV000430018.5), dbSNP rs1131691737, ClinGen allele CA620709065.
Genomic context (GRCh38, chr16:2,496,704, plus strand): 5'-AGGAGGCTGATCGACCAGAGCTTCCTGGCCTTTGAGTCGTCCTGCATGACGTTTGGGGAC[CT>C]GGTGAACAAGTACTGCCAGGCGGCCCACAAGCTGATGGTGGCCGTGTCGGAGGATGTCCT-3'